The following is an entry in ClinVar:

NM_001845.6(COL4A1):c.4928+5G>A

Gene: COL4A1 (collagen type IV alpha 1 chain; minus strand). Cytogenetic location: 13q34.
Variant type: single nucleotide variant.
Coding change: c.4928+5G>A on transcript NM_001845.6 (MANE Select); 5 bases into the intron after coding-DNA position 4928, G replaced by A.
Molecular consequence: intron variant.
Genome position (GRCh38, 1-based): chr13:110,152,329, C>T on the plus strand (G>A on the coding strand, the complement: COL4A1 is on the minus strand). VCF-style: chr13-110152329-C-T. GRCh37 (hg19) VCF-style: chr13-110804676-C-T.
Identifiers: ClinVar variation 2692465 (VCV002692465.1), dbSNP rs2501716101, ClinGen allele CA2697551925.
Genomic context (GRCh38, chr13:110,152,329, plus strand): 5'-GGATGATTAAAAAATAAAGTCACAAAGGGGCCAGCAGCCTGCAAAAAAGCAGTGCTCCCA[C>T]TTACTTGAACATCTCGCTCCTCTCTATGGTGGCGAGCCAAAAGCTGTAAGCGTTTGCGTA-3'

ClinVar aggregate classification (germline): Uncertain significance (1 of 4 stars; one submission).

Submission:

Greenwood Genetic Center Diagnostic Laboratories, Greenwood Genetic Center
Classification: Uncertain significance. Last evaluated: 2023-11-15. Review status: criteria provided, single submitter. Criteria: ACMG Guidelines, 2015. Collection method: clinical testing. Allele origin: germline. Affected: yes.
Comment: PM2, PP3